The following is an entry in ClinVar:

NM_001005373.4(LRSAM1):c.849G>A (p.Gln283=)

Gene: LRSAM1 (leucine rich repeat and sterile alpha motif containing 1; plus strand). Cytogenetic location: 9q33.3.
Variant type: single nucleotide variant.
Coding change: c.849G>A on transcript NM_001005373.4 (MANE Select); coding-DNA position 849, G replaced by A.
Protein change: p.Gln283=; no amino-acid change (glutamine 283 retained).
Molecular consequence: synonymous variant. On other transcripts: non-coding transcript variant (2).
Genome position (GRCh38, 1-based): chr9:127,479,451, G>A. VCF-style: chr9-127479451-G-A. GRCh37 (hg19) VCF-style: chr9-130241730-G-A.
Other names: c.849G>A, p.Gln283= (NM_001005374.4, NM_001190723.3, NM_001384142.1 and 2 more transcripts); c.60G>A, p.Gln20= (NM_001384144.1).
Identifiers: ClinVar variation 758046 (VCV000758046.11), dbSNP rs375636993, ClinGen allele CA5246727.
Genomic context (GRCh38, chr9:127,479,451, plus strand): 5'-GATGCTGGAGAAACTCGAGTTTGAACGGCGCCTGGAACTGGGGCAGCGGGAGCACACCCA[G>A]CTCCTTCAGCAGAGCAGCAGCCAGAAGGATGAGATCCTTCAGACGGTCAAGGAGGTTTGT-3'
Protein context (NP_001005373.1, residues 273-293): RLELGQREHT[Gln283=]LLQQSSSQKD

ClinVar aggregate classification (germline): Likely benign. Review status: criteria provided, multiple submitters, no conflicts (2 of 4 stars). 2 submissions from 2 submitters: Likely benign (2). Last evaluated 2025-11-12.

Conditions:
Charcot-Marie-Tooth disease axonal type 2P. Also called: CHARCOT-MARIE-TOOTH NEUROPATHY, TYPE 2P; Charcot-Marie-Tooth Neuropathy Type 2G; CHARCOT-MARIE-TOOTH DISEASE, AXONAL, TYPE 2G; CMT 2G. Identifiers: Orphanet 300319, Orphanet 99941, MedGen C3280797, MONDO:0013753, OMIM 614436.
LRSAM1-related disorder. Also called: LRSAM1-related condition.

Allele frequency attached by ClinVar (database versions not stated): gnomAD 0.00001; ExAC 0.00002; gnomAD exomes 0.00002; ESP Exome Variant Server 0.00008.
gnomAD v4.1: 20 of 1,613,998 alleles (0.0012%); highest among the groups gnomAD compares: Admixed American, 0.0033%; no homozygotes.

Submissions (2):

Labcorp Genetics (formerly Invitae), Labcorp
Classification: Likely benign for Charcot-Marie-Tooth disease axonal type 2P. Last evaluated: 2025-11-12. Review status: criteria provided, single submitter. Criteria: Invitae Variant Classification Sherloc (09022015). Collection method: clinical testing. Allele origin: germline.

PreventionGenetics, part of Exact Sciences
Classification: Likely benign for LRSAM1-related condition. Last evaluated: 2025-07-10. Review status: criteria provided, single submitter. Criteria: ACMG Guidelines, 2015. Collection method: clinical testing. Allele origin: germline.
Comment: This variant is classified as likely benign based on ACMG/AMP sequence variant interpretation guidelines (Richards et al. 2015 PMID: 25741868, with internal and published modifications).